The following is an entry in ClinVar:

ClinVar aggregate classification (germline): Uncertain significance. Review status: criteria provided, multiple submitters, no conflicts (2 of 4 stars). 2 submissions from 2 submitters: Uncertain significance (2). Last evaluated 2022-03-04.

Conditions:
Xeroderma pigmentosum, group F (XPF). Also called: XERODERMA PIGMENTOSUM, COMPLEMENTATION GROUP F; XERODERMA PIGMENTOSUM VI; XP, GROUP F; ERCC4-Related Xeroderma Pigmentosum; XERODERMA PIGMENTOSUM, TYPE F; Xeroderma pigmentosum, type 6. Identifiers: MedGen C0268140, MONDO:0010215, OMIM 278760.
Cockayne syndrome. Identifiers: Orphanet 191, MedGen C0009207, MONDO:0016006.
Fanconi anemia complementation group Q. Identifiers: Orphanet 84, MedGen C3808988, MONDO:0014108, OMIM 615272.
Inborn genetic diseases. Identifiers: MedGen C0950123, MeSH D030342.

Allele frequency attached by ClinVar (database versions not stated): gnomAD 0.00001; TOPMed 0.00001; ExAC 0.00002; gnomAD exomes 0.00002 and 0.00004; ESP Exome Variant Server 0.00008.
gnomAD v4.1: 58 of 1,614,050 alleles (0.0036%); highest among the groups gnomAD compares: Non-Finnish European, 0.0047%; no homozygotes.

Submissions (2):

Labcorp Genetics (formerly Invitae), Labcorp
Classification: Uncertain significance for Fanconi anemia complementation group Q; Xeroderma pigmentosum, group F; Cockayne syndrome. Last evaluated: 2022-03-04. Review status: criteria provided, single submitter. Criteria: Invitae Variant Classification Sherloc (09022015). Collection method: clinical testing. Allele origin: germline.
Comment: This sequence change replaces asparagine, which is neutral and polar, with serine, which is neutral and polar, at codon 845 of the ERCC4 protein (p.Asn845Ser). This variant is present in population databases (rs377562755, gnomAD 0.007%). This variant has not been reported in the literature in individuals affected with ERCC4-related conditions. ClinVar contains an entry for this variant (Variation ID: 855385). Algorithms developed to predict the effect of missense changes on protein structure and function output the following: SIFT: "Tolerated"; PolyPhen-2: "Benign"; Align-GVGD: "Class C0". The serine amino acid residue is found in multiple mammalian species, which suggests that this missense change does not adversely affect protein function. In summary, the available evidence is currently insufficient to determine the role of this variant in disease. Therefore, it has been classified as a Variant of Uncertain Significance.

Ambry Genetics
Classification: Uncertain significance for Inborn genetic diseases. Last evaluated: 2021-07-22. Review status: criteria provided, single submitter. Criteria: Ambry Variant Classification Scheme 2023. Collection method: clinical testing. Allele origin: germline.

NM_005236.3(ERCC4):c.2534A>G (p.Asn845Ser)

Gene: ERCC4 (ERCC excision repair 4, endonuclease catalytic subunit; plus strand). Cytogenetic location: 16p13.12.
Variant type: single nucleotide variant.
Coding change: c.2534A>G on transcript NM_005236.3 (MANE Select); coding-DNA position 2534, A replaced by G.
Protein change: p.Asn845Ser; replaces asparagine 845 with serine.
Molecular consequence: missense variant.
Genome position (GRCh38, 1-based): chr16:13,948,130, A>G. VCF-style: chr16-13948130-A-G. GRCh37 (hg19) VCF-style: chr16-14041987-A-G.
Other names: short protein forms N845S.
Identifiers: ClinVar variation 855385 (VCV000855385.7), dbSNP rs377562755, ClinGen allele CA7910763.